The following is an entry in ClinVar:

ClinVar aggregate classification (germline): Conflicting classifications of pathogenicity. Review status: criteria provided, conflicting classifications (1 of 4 stars). 2 submissions from 2 submitters: Uncertain significance (1); Likely benign (1). Last evaluated 2024-09-11.

Conditions:
Myopathy, centronuclear, 2 (CNM2). Also called: MYOTUBULAR MYOPATHY, AUTOSOMAL RECESSIVE. Identifiers: Orphanet 169186, MedGen CN031787, MONDO:0009709, OMIM 255200.

Allele frequency attached by ClinVar (database versions not stated): TOPMed 0.00001; gnomAD exomes 0.00002; gnomAD 0.00001.
gnomAD v4.1: 24 of 1,547,034 alleles (0.0016%); highest among the groups gnomAD compares: Non-Finnish European, 0.0021%; no homozygotes.

Submissions (2):

Labcorp Genetics (formerly Invitae), Labcorp
Classification: Likely benign for Myopathy, centronuclear, 2. Last evaluated: 2024-09-11. Review status: criteria provided, single submitter. Criteria: Invitae Variant Classification Sherloc (09022015). Collection method: clinical testing. Allele origin: germline.

GeneDx
Classification: Uncertain significance. Last evaluated: 2023-02-03. Review status: criteria provided, single submitter. Criteria: GeneDx Variant Classification Process June 2021. Collection method: clinical testing. Allele origin: germline. Affected: yes.
Comment: Not observed at significant frequency in large population cohorts (gnomAD); In silico analysis supports that this variant does not alter splicing; Has not been previously published as pathogenic or benign to our knowledge

NM_139343.3(BIN1):c.1119C>T (p.Thr373=)

Gene: BIN1 (bridging integrator 1; minus strand). Cytogenetic location: 2q14.3.
Variant type: single nucleotide variant.
Coding change: c.1119C>T on transcript NM_139343.3 (MANE Select); coding-DNA position 1119, C replaced by T.
Protein change: p.Thr373=; no amino-acid change (threonine 373 retained).
Molecular consequence: synonymous variant. On other transcripts: intron variant (9).
Genome position (GRCh38, 1-based): chr2:127,057,485, G>A on the plus strand (C>T on the coding strand, the complement: BIN1 is on the minus strand). VCF-style: chr2-127057485-G-A. GRCh37 (hg19) VCF-style: chr2-127815061-G-A.
Other names: c.1119C>T (NM_139343.2); c.1119C>T, p.Thr373= (NM_001320640.2); c.1026C>T, p.Thr342= (NM_001320641.2, NM_139347.3, NM_139348.3); c.1038C>T, p.Thr346= (NM_001320642.1); c.1071C>T, p.Thr357= (NM_139346.3); c.837+1526C>T (NM_001320634.1); c.909+1526C>T (NM_139351.3, NM_139350.3, NM_139349.3); c.954+1526C>T (NM_001320632.2, NM_004305.4); and 1 more.
Identifiers: ClinVar variation 1157847 (VCV001157847.9), dbSNP rs1444368852, ClinGen allele CA428594122.